The following is an entry in ClinVar:

ClinVar aggregate classification (germline): Pathogenic. Review status: reviewed by expert panel (3 of 4 stars). 3 submissions from 3 submitters: Pathogenic (1). 2 of the submissions do not count toward it. Last evaluated 2025-01-07.

Conditions:
von Willebrand disease type 2N (VWD2N). Identifiers: Orphanet 166093, MedGen C1282975, MONDO:0015631.

Allele frequency attached by ClinVar (database versions not stated): gnomAD exomes below 0.00001.
gnomAD v4.1: 2 of 1,614,194 alleles (0.00012%); highest among the groups gnomAD compares: Non-Finnish European, 0.00017%; no homozygotes.

Submissions (3):

ClinGen von Willebrand Disease Variant Curation Expert Panel, ClinGen
Classification: Pathogenic for von Willebrand disease type 2N. Last evaluated: 2025-01-07. Review status: reviewed by expert panel. Criteria: ClinGen VWD 2N Rules. Collection method: curation. Allele origin: germline. Inheritance: Autosomal recessive inheritance.
Comment: The NM_000552.5(VWF):c.2384A>G (p.Tyr795Cys) missense variant has a Grpmax filtering allele frequency in gnomAD v4.1 of 2.800e-7 (based on 2/1180036 alleles in the European non-Finnish population), which is lower than the ClinGen VWD VCEP threshold of <0.005 for type 2N (PM2_Supporting). The computational predictor REVEL gives a score of 0.688, which is above the ClinGen VWD VCEP threshold of >0.644 and predicts a damaging effect on VWF function (PP3). At least three compound heterozygous VWD type 2N patients have been reported with this variant; two (PMIDs: 33807613, 15461624; PM3) compound heterozygous with R854Q (classified Pathogenic by the VWD VCEP), and one (PMID: 15213842) compound heterozygous with R1566X (not yet been evaluated by the VWD VCEP). At least 1 patient with this variant displayed excessive mucocutaneous bleeding as well as low FVIII activity (0.13 IU/ml) and decreased VWF:FVIII binding (<1.5%), which is highly specific for VWD type 2N. (PP4_moderate, PMID:15213842). Factor VIII binding assay performed with theY795C recombinant mutant showed severely impaired binding indicating that this variant has a damaging effect on protein function (PMID: 15213842, 15461624; PS3). In summary, this variant meets the criteria to be classified as Pathogenic for von Willebrand disease type 2N. ACMG/AMP criteria applied as specified by the ClinGen von Willebrand disease Variant Curation Expert Panel: PM2_supporting, PP3, PM3, PP4_moderate, PS3.

OMIM
Classification: Pathogenic for VON WILLEBRAND DISEASE, TYPE 2N. Last evaluated: 2004-10-01. Review status: no assertion criteria provided. Collection method: literature only. Allele origin: germline. Not counted in ClinVar's aggregate classification.

Academic Unit of Haematology, University of Sheffield
No classification provided. Review status: no classification provided. Collection method: not provided. Allele origin: not provided. Not counted in ClinVar's aggregate classification.

Literature cited by the submitters: PubMed 15461624 (cited by OMIM).

NM_000552.5(VWF):c.2384A>G (p.Tyr795Cys)

Gene: VWF (von Willebrand factor; minus strand). Cytogenetic location: 12p13.31.
Variant type: single nucleotide variant.
Coding change: c.2384A>G on transcript NM_000552.5 (MANE Select); coding-DNA position 2384, A replaced by G.
Protein change: p.Tyr795Cys; replaces tyrosine 795 with cysteine.
Molecular consequence: missense variant.
Genome position (GRCh38, 1-based): chr12:6,044,349, T>C on the plus strand (A>G on the coding strand, the complement: VWF is on the minus strand). VCF-style: chr12-6044349-T-C. GRCh37 (hg19) VCF-style: chr12-6153515-T-C.
Other names: NM_000552.5(VWF):c.2384A>G; p.Tyr795Cys; short protein forms Y795C.
Identifiers: ClinVar variation 312 (VCV000000312.2), dbSNP rs61748478, ClinGen allele CA114166.